The following is an entry in ClinVar:

NM_004304.5(ALK):c.202G>T (p.Ala68Ser)

Gene: ALK (ALK receptor tyrosine kinase; minus strand). Cytogenetic location: 2p23.1.
Variant type: single nucleotide variant.
Coding change: c.202G>T on transcript NM_004304.5 (MANE Select); coding-DNA position 202, G replaced by T.
Protein change: p.Ala68Ser; replaces alanine 68 with serine.
Molecular consequence: missense variant.
Genome position (GRCh38, 1-based): chr2:29,920,458, C>A on the plus strand (G>T on the coding strand, the complement: ALK is on the minus strand). VCF-style: chr2-29920458-C-A. GRCh37 (hg19) VCF-style: chr2-30143324-C-A.
Other names: short protein forms A68S.
Identifiers: ClinVar variation 538187 (VCV000538187.40), dbSNP rs1414978905, ClinGen allele CA346590491.
Genomic context (GRCh38, chr2:29,920,458, plus strand): 5'-GGGCCTCGGGCCTGCCAGCCTTCAGCTCCGAGGAGGATGGTGGCAGCAGTAGGTCCCGGG[C>A]GTAGACACGGAAGAGCGAGGGCACCACGAAGTCAACTGCCAGACTCTTCCTCTGCAGGCG-3'
Protein context (NP_004295.2, residues 58-78): FVVPSLFRVY[Ala68Ser]RDLLLPPSSS

ClinVar aggregate classification (germline): Uncertain significance. Review status: criteria provided, multiple submitters, no conflicts (2 of 4 stars). 3 submissions from 3 submitters: Uncertain significance (3). Last evaluated 2025-02-16.

Conditions:
Hereditary cancer-predisposing syndrome. Also called: Hereditary Cancer Syndrome; Tumor predisposition; Neoplastic Syndromes, Hereditary; Hereditary neoplastic syndrome. Identifiers: Orphanet 140162, MedGen C0027672, MeSH D009386, MONDO:0015356.
Neuroblastoma, susceptibility to, 3. Also called: ALK-Related Neuroblastic Tumor Susceptibility. Identifiers: Orphanet 635, MedGen C2751681, MONDO:0013083, OMIM 613014.

Allele frequency attached by ClinVar (database versions not stated): gnomAD exomes 0.00001; TOPMed 0.00002; gnomAD 0.00001.
gnomAD v4.1: 4 of 1,611,858 alleles (0.00025%); highest among the groups gnomAD compares: Admixed American, 0.0017%; no homozygotes.

Submissions (3):

Ambry Genetics
Classification: Uncertain significance for Hereditary cancer-predisposing syndrome. Last evaluated: 2025-02-16. Review status: criteria provided, single submitter. Criteria: Ambry Variant Classification Scheme 2023. Collection method: clinical testing. Allele origin: germline.
Comment: The p.A68S variant (also known as c.202G>T), located in coding exon 1 of the ALK gene, results from a G to T substitution at nucleotide position 202. The alanine at codon 68 is replaced by serine, an amino acid with similar properties. This amino acid position is conserved. In addition, this alteration is predicted to be tolerated by in silico analysis. Since supporting evidence is limited at this time, the clinical significance of this alteration remains unclear.

Labcorp Genetics (formerly Invitae), Labcorp
Classification: Uncertain significance for Neuroblastoma, susceptibility to, 3. Last evaluated: 2025-02-12. Review status: criteria provided, single submitter. Criteria: Invitae Variant Classification Sherloc (09022015). Collection method: clinical testing. Allele origin: germline.
Comment: This sequence change replaces alanine, which is neutral and non-polar, with serine, which is neutral and polar, at codon 68 of the ALK protein (p.Ala68Ser). The frequency data for this variant in the population databases is considered unreliable, as metrics indicate poor data quality at this position in the gnomAD database. This variant has not been reported in the literature in individuals affected with ALK-related conditions. ClinVar contains an entry for this variant (Variation ID: 538187). An algorithm developed to predict the effect of missense changes on protein structure and function (PolyPhen-2) suggests that this variant is likely to be tolerated. In summary, the available evidence is currently insufficient to determine the role of this variant in disease. Therefore, it has been classified as a Variant of Uncertain Significance.

CeGaT Center for Human Genetics Tuebingen
Classification: Uncertain significance. Last evaluated: 2022-11-01. Review status: criteria provided, single submitter. Criteria: CeGaT Center For Human Genetics Tuebingen Variant Classification Criteria Version 2. Collection method: clinical testing. Allele origin: germline. Affected: yes. Observed: 1 variant allele.